The following is an entry in ClinVar:

ClinVar aggregate classification (germline): Pathogenic/Likely pathogenic. Review status: criteria provided, multiple submitters, no conflicts (2 of 4 stars). 3 submissions from 3 submitters: Pathogenic (1); Likely pathogenic (2). Last evaluated 2026-01-26.

Conditions:
Gillessen-Kaesbach-Nishimura syndrome (GIKANIS). Identifiers: MedGen C1849762, MONDO:0009890, OMIM 263210.
ALG9-associated autosomal dominant polycystic kidney disease. Identifiers: MedGen CN305626, MONDO:0700000.
ALG9 congenital disorder of glycosylation (CDG1L). Also called: ALG9-CDG; CONGENITAL DISORDER OF GLYCOSYLATION, TYPE Il; CDG Il. Identifiers: Orphanet 79328, MedGen C2931006, MONDO:0012117, OMIM 608776.

gnomAD v4.1: 4 of 1,551,592 alleles (0.00026%); highest among the groups gnomAD compares: Non-Finnish European, 0.00035%; no homozygotes.

Submissions (3):

Medical and Scientific Branch, Hong Kong Genome Institute
Classification: Likely pathogenic for ALG9-associated autosomal dominant polycystic kidney disease. Last evaluated: 2026-01-26. Review status: criteria provided, single submitter. Criteria: ACMG Guidelines, 2015. Collection method: clinical testing. Allele origin: unknown. Affected: yes.

Labcorp Genetics (formerly Invitae), Labcorp
Classification: Pathogenic for ALG9 congenital disorder of glycosylation. Last evaluated: 2025-11-17. Review status: criteria provided, single submitter. Criteria: Invitae Variant Classification Sherloc (09022015). Collection method: clinical testing. Allele origin: germline.
Comment: This sequence change creates a premature translational stop signal (p.Arg143*) in the ALG9 gene. It is expected to result in an absent or disrupted protein product. Loss-of-function variants in ALG9 are known to be pathogenic (PMID: 25966638). The frequency data for this variant in the population databases is considered unreliable, as metrics indicate poor data quality at this position in the gnomAD database. This premature translational stop signal has been observed in individual(s) with clinical features of ALG9-related conditions (PMID: 32398770). Algorithms developed to predict the effect of sequence changes on RNA splicing suggest that this variant may disrupt the consensus splice site. For these reasons, this variant has been classified as Pathogenic.

MVZ Praenatalmedizin und Genetik Nuernberg
Classification: Likely pathogenic for Gillessen-Kaesbach-Nishimura syndrome. Last evaluated: 2022-01-07. Review status: criteria provided, single submitter. Criteria: ACMG Guidelines, 2015. Collection method: clinical testing. Allele origin: maternal. Affected: yes.
Comment: This mutation leads to a frameshift in exon 5 of 16 and is therefore considered pathogenic. The clinical presentation of the fetus closely resembles that of Gillessen-Kaesbach-Nishimura syndrome, a condition caused by homozygous or compound heterozygous ALG9 mutations and belonging to the group of CDG syndromes. Taken together, we consider these findings sufficient to classify the mutation constellation as causative for the clinical abnormalities observed in the fetus. This variant was therefore classified as likely pathogenic.

Literature cited by the submitters: PubMed 25966638 (cited by Labcorp Genetics (formerly Invitae), Labcorp); PubMed 32398770 (cited by Labcorp Genetics (formerly Invitae), Labcorp); PubMed 31395617 (cited by MVZ Praenatalmedizin und Genetik Nuernberg).

NM_024740.2(ALG9):c.427C>T (p.Arg143Ter)

Gene: ALG9 (ALG9 alpha-1,2-mannosyltransferase; minus strand). Cytogenetic location: 11q23.1.
Variant type: single nucleotide variant.
Coding change: c.427C>T on transcript NM_024740.2 (MANE Select); coding-DNA position 427, C replaced by T.
Protein change: p.Arg143Ter; replaces arginine 143 with a stop codon.
Molecular consequence: nonsense. On other transcripts: 5 prime UTR variant (15), non-coding transcript variant (1).
Genome position (GRCh38, 1-based): chr11:111,865,230, G>A on the plus strand (C>T on the coding strand, the complement: ALG9 is on the minus strand). VCF-style: chr11-111865230-G-A. GRCh37 (hg19) VCF-style: chr11-111735953-G-A.
Other names: c.427C>T, p.Arg143Ter (NM_001077690.1, NM_001352417.1, NM_001352418.1 and 4 more transcripts); c.-87C>T (NM_001077691.2, NM_001077692.2, NM_001352409.1 and 11 more transcripts); c.-305C>T (NM_001352422.2); short protein forms R143*.
Identifiers: ClinVar variation 4705323 (VCV004705323.2).